The following is an entry in ClinVar:

NM_005245.4(FAT1):c.6257A>G (p.Tyr2086Cys)

Gene: FAT1 (FAT atypical cadherin 1; minus strand). Cytogenetic location: 4q35.2.
Variant type: single nucleotide variant.
Coding change: c.6257A>G on transcript NM_005245.4 (MANE Select); coding-DNA position 6257, A replaced by G.
Protein change: p.Tyr2086Cys; replaces tyrosine 2086 with cysteine.
Molecular consequence: missense variant.
Genome position (GRCh38, 1-based): chr4:186,620,329, T>C on the plus strand (A>G on the coding strand, the complement: FAT1 is on the minus strand). VCF-style: chr4-186620329-T-C. GRCh37 (hg19) VCF-style: chr4-187541483-T-C.
Other names: c.6257A>G, p.Tyr2086Cys (NM_001440455.1, NM_001440456.1, NM_001440457.1); short protein forms Y2086C.
Identifiers: ClinVar variation 4982585 (VCV004982585.1).

ClinVar aggregate classification (germline): Uncertain significance (1 of 4 stars; one submission).

Conditions:
FAT1-related disorder. Also called: FAT1-related condition.

gnomAD v4.1: 1 of 1,613,970 alleles (0.000062%); highest among the groups gnomAD compares: Admixed American, 0.0017%; no homozygotes.

Submission:

PreventionGenetics, part of Exact Sciences
Classification: Uncertain significance for FAT1-related condition. Last evaluated: 2026-02-01. Review status: criteria provided, single submitter. Criteria: ACMG Guidelines, 2015. Collection method: clinical testing. Allele origin: germline.
Comment: The FAT1 c.6257A>G variant is predicted to result in the amino acid substitution p.Tyr2086Cys. To our knowledge, this variant has not been reported in the literature. This variant is reported in 0.0029% of alleles in individuals of Latino descent in gnomAD. At this time, the clinical significance of this variant is uncertain due to the absence of conclusive functional and genetic evidence.